The following is an entry in ClinVar:

NM_007294.4(BRCA1):c.3334G>C (p.Glu1112Gln)

Genes: BRCA1 (BRCA1 DNA repair associated; minus strand), LOC126862571 (BRD4-independent group 4 enhancer GRCh37_chr17:41243136-41244335; plus strand). Cytogenetic location: 17q21.31.
Variant type: single nucleotide variant.
Coding change: c.3334G>C on transcript NM_007294.4 (MANE Select); coding-DNA position 3334, G replaced by C.
Protein change: p.Glu1112Gln; replaces glutamic acid 1112 with glutamine.
Molecular consequence: missense variant. On other transcripts: intron variant (137).
Genome position (GRCh38, 1-based): chr17:43,092,197, C>G on the plus strand (G>C on the coding strand, the complement: BRCA1 is on the minus strand). VCF-style: chr17-43092197-C-G. GRCh37 (hg19) VCF-style: chr17-41244214-C-G.
Other names: c.3121G>C, p.Glu1041Gln (NM_001407571.1, NM_001407853.1, NM_001407894.1 and 9 more transcripts); c.3334G>C, p.Glu1112Gln (NM_001407581.1, NM_001407582.1, NM_001407583.1 and 30 more transcripts); c.3331G>C, p.Glu1111Gln (NM_001407587.1, NM_001407590.1, NM_001407591.1 and 22 more transcripts); c.3325G>C, p.Glu1109Gln (NM_001407646.1, NM_001407647.1); c.3211G>C, p.Glu1071Gln (NM_001407648.1, NM_001407664.1, NM_001407665.1 and 19 more transcripts); c.3208G>C, p.Glu1070Gln (NM_001407649.1, NM_001407670.1, NM_001407671.1 and 11 more transcripts); c.3256G>C, p.Glu1086Gln (NM_001407653.1, NM_001407654.1, NM_001407655.1 and 4 more transcripts); c.3253G>C, p.Glu1085Gln (NM_001407659.1, NM_001407660.1, NM_001407661.1 and 1 more transcripts); and 41 more; short protein forms E1112Q, E1065Q, E1024Q, E1045Q, E1071Q, E1109Q, E1001Q, E1085Q.
Identifiers: ClinVar variation 1353259 (VCV001353259.13), dbSNP rs2154327700, ClinGen allele CA10595311.

ClinVar aggregate classification (germline): Conflicting classifications of pathogenicity. Review status: criteria provided, conflicting classifications (1 of 4 stars). 3 submissions from 3 submitters: Uncertain significance (2); Likely benign (1). Last evaluated 2023-03-23.

Conditions:
Hereditary cancer-predisposing syndrome. Also called: Neoplastic Syndromes, Hereditary; Tumor predisposition; Hereditary neoplastic syndrome; Hereditary Cancer Syndrome. Identifiers: Orphanet 140162, MedGen C0027672, MeSH D009386, MONDO:0015356.
Hereditary breast ovarian cancer syndrome. Also called: BRCA1- and BRCA2-Associated Hereditary Breast and Ovarian Cancer; Hereditary breast and ovarian cancer; Hereditary breast and ovarian cancer syndrome; Hereditary breast and ovarian cancer syndrome (HBOC); Breast and ovarian cancer; Hereditary breast and/or ovarian cancer syndrome. Identifiers: Orphanet 145, MedGen C0677776, MeSH D061325, MONDO:0003582. Disease mechanism: loss of function.

Submissions (3):

University of Washington Department of Laboratory Medicine, University of Washington
Classification: Likely benign for Hereditary cancer-predisposing syndrome. Last evaluated: 2023-03-23. Review status: criteria provided, single submitter. Criteria: Dines et al. (Genet Med. 2020). Collection method: curation. Allele origin: germline.
Comment: Missense variant in a coldspot region where missense variants are very unlikely to be pathogenic (PMID:31911673).

BRCA1 coldspot (exon 11 using historical exon numbering). Reclassification based on statistical prior probability

Labcorp Genetics (formerly Invitae), Labcorp
Classification: Uncertain significance for Hereditary breast ovarian cancer syndrome. Last evaluated: 2020-12-03. Review status: criteria provided, single submitter. Criteria: Invitae Variant Classification Sherloc (09022015). Collection method: clinical testing. Allele origin: germline.
Comment: In summary, the available evidence is currently insufficient to determine the role of this variant in disease. Therefore, it has been classified as a Variant of Uncertain Significance. Advanced modeling of protein sequence and biophysical properties (such as structural, functional, and spatial information, amino acid conservation, physicochemical variation, residue mobility, and thermodynamic stability) performed at Invitae indicates that this missense variant is not expected to disrupt BRCA1 protein function. This variant has not been reported in the literature in individuals with BRCA1-related conditions. This variant is not present in population databases (ExAC no frequency). This sequence change replaces glutamic acid with glutamine at codon 1112 of the BRCA1 protein (p.Glu1112Gln). The glutamic acid residue is moderately conserved and there is a small physicochemical difference between glutamic acid and glutamine.

Ambry Genetics
Classification: Uncertain significance for Hereditary cancer-predisposing syndrome. Last evaluated: 2019-04-15. Review status: criteria provided, single submitter. Criteria: Ambry Variant Classification Scheme 2023. Collection method: clinical testing. Allele origin: germline.
Comment: The p.E1112Q variant (also known as c.3334G>C), located in coding exon 9 of the BRCA1 gene, results from a G to C substitution at nucleotide position 3334. The glutamic acid at codon 1112 is replaced by glutamine, an amino acid with highly similar properties. This amino acid position is poorly conserved in available vertebrate species. In addition, the in silico prediction for this alteration is inconclusive. Since supporting evidence is limited at this time, the clinical significance of this alteration remains unclear.